The following is an entry in ClinVar:

ClinVar aggregate classification (germline): Uncertain significance (1 of 4 stars; one submission).

Conditions:
HUWE1-related disorder. Also called: HUWE1-related condition.

Submission:

PreventionGenetics, part of Exact Sciences
Classification: Uncertain significance for HUWE1-related condition. Last evaluated: 2025-10-19. Review status: criteria provided, single submitter. Criteria: ACMG Guidelines, 2015. Collection method: clinical testing. Allele origin: germline.
Comment: The HUWE1 c.11215C>T variant is predicted to result in the amino acid substitution p.Arg3739Trp. To our knowledge, this variant has not been reported in the literature or in a large population database (gnomAD), indicating this variant is rare. At this time, the clinical significance of this variant is uncertain due to the absence of conclusive functional and genetic evidence.

NM_031407.7(HUWE1):c.11215C>T (p.Arg3739Trp)

Gene: HUWE1 (HECT, UBA and WWE domain containing E3 ubiquitin protein ligase 1; minus strand). Cytogenetic location: Xp11.22.
Variant type: single nucleotide variant.
Coding change: c.11215C>T on transcript NM_031407.7 (MANE Select); coding-DNA position 11215, C replaced by T.
Protein change: p.Arg3739Trp; replaces arginine 3739 with tryptophan.
Molecular consequence: missense variant.
Genome position (GRCh38, 1-based): chrX:53,544,596, G>A on the plus strand (C>T on the coding strand, the complement: HUWE1 is on the minus strand). VCF-style: chrX-53544596-G-A. GRCh37 (hg19) VCF-style: chrX-53571557-G-A.
Other names: c.11212C>T, p.Arg3738Trp (NM_001441048.1, NM_001441051.1, NM_001441053.1 and 2 more transcripts); c.11215C>T, p.Arg3739Trp (NM_001441049.1, NM_001441054.1, NM_001441057.1); c.11236C>T, p.Arg3746Trp (NM_001441050.1, NM_001441055.1); c.10813C>T, p.Arg3605Trp (NM_001441052.1); short protein forms R3746W, R3605W, R3738W, R3739W.
Identifiers: ClinVar variation 4995835 (VCV004995835.1).